The following is an entry in ClinVar:

ClinVar aggregate classification (germline): Uncertain significance. Review status: criteria provided, multiple submitters, no conflicts (2 of 4 stars). 2 submissions from 2 submitters: Uncertain significance (2). Last evaluated 2026-09-01.

Allele frequency attached by ClinVar (database versions not stated): gnomAD 0.00001 and 0.00003; ExAC 0.00002; TOPMed 0.00004; ESP Exome Variant Server 0.00008.
gnomAD v4.1: 40 of 1,611,916 alleles (0.0025%); highest among the groups gnomAD compares: Middle Eastern, 0.016%; no homozygotes.

Submissions (2):

CeGaT Center for Human Genetics Tuebingen
Classification: Uncertain significance. Last evaluated: 2026-09-01. Review status: criteria provided, single submitter. Criteria: CeGaT Center For Human Genetics Tuebingen Variant Classification Criteria Version 2. Collection method: clinical testing. Allele origin: germline. Affected: yes. Observed: 1 variant allele.

Labcorp Genetics (formerly Invitae), Labcorp
Classification: Uncertain significance. Last evaluated: 2025-03-04. Review status: criteria provided, single submitter. Criteria: Invitae Variant Classification Sherloc (09022015). Collection method: clinical testing. Allele origin: germline.
Comment: This sequence change replaces alanine, which is neutral and non-polar, with glycine, which is neutral and non-polar, at codon 525 of the ROR2 protein (p.Ala525Gly). This variant is present in population databases (rs34584753, gnomAD 0.004%). This variant has not been reported in the literature in individuals affected with ROR2-related conditions. ClinVar contains an entry for this variant (Variation ID: 1354909). Invitae Evidence Modeling of protein sequence and biophysical properties (such as structural, functional, and spatial information, amino acid conservation, physicochemical variation, residue mobility, and thermodynamic stability) indicates that this missense variant is expected to disrupt ROR2 protein function with a positive predictive value of 80%. In summary, the available evidence is currently insufficient to determine the role of this variant in disease. Therefore, it has been classified as a Variant of Uncertain Significance.

NM_004560.4(ROR2):c.1574C>G (p.Ala525Gly)

Gene: ROR2 (ROR family WNT receptor 2; minus strand). Cytogenetic location: 9q22.31.
Variant type: single nucleotide variant.
Coding change: c.1574C>G on transcript NM_004560.4 (MANE Select); coding-DNA position 1574, C replaced by G.
Protein change: p.Ala525Gly; replaces alanine 525 with glycine.
Molecular consequence: missense variant.
Genome position (GRCh38, 1-based): chr9:91,724,920, G>C on the plus strand (C>G on the coding strand, the complement: ROR2 is on the minus strand). VCF-style: chr9-91724920-G-C. GRCh37 (hg19) VCF-style: chr9-94487202-G-C.
Other names: short protein forms A525G.
Identifiers: ClinVar variation 1354909 (VCV001354909.9), dbSNP rs34584753, ClinGen allele CA5120646.